The following is an entry in ClinVar:

NM_018389.5(SLC35C1):c.872C>T (p.Thr291Ile)

Gene: SLC35C1 (solute carrier family 35 member C1; plus strand). Cytogenetic location: 11p11.2.
Variant type: single nucleotide variant.
Coding change: c.872C>T on transcript NM_018389.5 (MANE Select); coding-DNA position 872, C replaced by T.
Protein change: p.Thr291Ile; replaces threonine 291 with isoleucine.
Molecular consequence: missense variant.
Genome position (GRCh38, 1-based): chr11:45,811,112, C>T. VCF-style: chr11-45811112-C-T. GRCh37 (hg19) VCF-style: chr11-45832663-C-T.
Other names: c.833C>T, p.Thr278Ile (NM_001145265.2, NM_001145266.2); short protein forms T291I, T278I.
Identifiers: ClinVar variation 216999 (VCV000216999.7), dbSNP rs751828447, ClinGen allele CA277504.

ClinVar aggregate classification (germline): Conflicting classifications of pathogenicity. Review status: criteria provided, conflicting classifications (1 of 4 stars). 3 submissions from 3 submitters: Likely pathogenic (2); Uncertain significance (1). Last evaluated 2024-07-25.

Conditions:
Leukocyte adhesion deficiency type II. Also called: CDG IIc; Congenital disorder of glycosylation type 2C; CDG 2C; Leukocyte adhesion deficiency type 2; Rambam Hasharon syndrome; CONGENITAL DISORDER OF GLYCOSYLATION, TYPE IIc. Identifiers: Orphanet 2968, Orphanet 99843, MedGen C0398739, MONDO:0009953, OMIM 266265.

Allele frequency attached by ClinVar (database versions not stated): ExAC 0.00001; gnomAD exomes 0.00001.

Submissions (3):

Labcorp Genetics (formerly Invitae), Labcorp
Classification: Uncertain significance for Leukocyte adhesion deficiency type II. Last evaluated: 2024-07-25. Review status: criteria provided, single submitter. Criteria: Invitae Variant Classification Sherloc (09022015). Collection method: clinical testing. Allele origin: germline.
Comment: This sequence change replaces threonine, which is neutral and polar, with isoleucine, which is neutral and non-polar, at codon 291 of the SLC35C1 protein (p.Thr291Ile). This variant is present in population databases (rs751828447, gnomAD 0.006%). This missense change has been observed in individual(s) with SLC35C1-related conditions (PMID: 25326637). ClinVar contains an entry for this variant (Variation ID: 216999). Advanced modeling of protein sequence and biophysical properties (such as structural, functional, and spatial information, amino acid conservation, physicochemical variation, residue mobility, and thermodynamic stability) performed at Invitae indicates that this missense variant is expected to disrupt SLC35C1 protein function with a positive predictive value of 80%. In summary, the available evidence is currently insufficient to determine the role of this variant in disease. Therefore, it has been classified as a Variant of Uncertain Significance.

Institute of Human Genetics Munich, TUM University Hospital
Classification: Likely pathogenic for Leukocyte adhesion deficiency type II. Last evaluated: 2019-07-12. Review status: criteria provided, single submitter. Criteria: Classification criteria August 2017. Collection method: clinical testing. Allele origin: inherited. Inheritance: Autosomal recessive inheritance. Affected: yes. Observed: 1 homozygote.

UCLA Clinical Genomics Center, UCLA
Classification: Likely pathogenic for Congenital disorder of glycosylation type 2C. Last evaluated: 2012-11-27. Review status: criteria provided, single submitter. Criteria: Lee et al. (JAMA. 2014). Collection method: clinical testing. Allele origin: germline. Inheritance: Autosomal recessive inheritance. Affected: yes. Study: CES.

Literature cited by the submitters: PubMed 25326637 (cited by Labcorp Genetics (formerly Invitae), Labcorp).